The following is an entry in ClinVar:

ClinVar aggregate classification (germline): Pathogenic (1 of 4 stars; one submission).

Conditions:
Joubert syndrome 23 (JBTS23). Identifiers: Orphanet 475, MedGen C4084822, MONDO:0014664, OMIM 616490.
Short-rib thoracic dysplasia 14 with polydactyly (SRTD14). Identifiers: Orphanet 397715, MedGen C4225286, MONDO:0014688, OMIM 616546.

Submission:

Labcorp Genetics (formerly Invitae), Labcorp
Classification: Pathogenic for Joubert syndrome 23; Short-rib thoracic dysplasia 14 with polydactyly. Last evaluated: 2022-07-06. Review status: criteria provided, single submitter. Criteria: Invitae Variant Classification Sherloc (09022015). Collection method: clinical testing. Allele origin: germline.
Comment: For these reasons, this variant has been classified as Pathogenic. Algorithms developed to predict the effect of sequence changes on RNA splicing suggest that this variant may disrupt the consensus splice site. ClinVar contains an entry for this variant (Variation ID: 1357141). This variant has not been reported in the literature in individuals affected with KIAA0586-related conditions. This variant is not present in population databases (gnomAD no frequency). This sequence change creates a premature translational stop signal (p.Gln1539*) in the KIAA0586 gene. It is expected to result in an absent or disrupted protein product. Loss-of-function variants in KIAA0586 are known to be pathogenic (PMID: 26096313, 26166481, 26386044).

Literature cited by the submitters: PubMed 26096313; PubMed 26166481; PubMed 26386044.

NM_001329943.3(KIAA0586):c.4456C>T (p.Gln1486Ter)

Gene: KIAA0586 (KIAA0586; plus strand). Cytogenetic location: 14q23.1.
Variant type: single nucleotide variant.
Coding change: c.4456C>T on transcript NM_001329943.3 (MANE Select); coding-DNA position 4456, C replaced by T.
Protein change: p.Gln1486Ter; replaces glutamine 1486 with a stop codon.
Molecular consequence: nonsense. On other transcripts: intron variant (2).
Genome position (GRCh38, 1-based): chr14:58,540,097, C>T. VCF-style: chr14-58540097-C-T. GRCh37 (hg19) VCF-style: chr14-59006815-C-T.
Other names: c.4615C>T, p.Gln1539Ter (NM_001244189.2); c.4411C>T, p.Gln1471Ter (NM_001244190.2); c.4201C>T, p.Gln1401Ter (NM_001244191.2, NM_001364701.2); c.4324C>T, p.Gln1442Ter (NM_001244192.2, NM_001329947.2); c.4456C>T, p.Gln1486Ter (NM_001329944.2); c.4228C>T, p.Gln1410Ter (NM_014749.5); c.4430-7684C>T (NM_001329946.2); c.4175-7684C>T (NM_001329945.2); short protein forms Q1401*, Q1442*, Q1410*, Q1471*, Q1486*, Q1539*.
Identifiers: ClinVar variation 1357141 (VCV001357141.6), dbSNP rs2140098022, ClinGen allele CA390058920.